The following is an entry in ClinVar:

NM_001080517.3(SETD5):c.4151C>T (p.Ser1384Leu)

Gene: SETD5 (SET domain containing 5; plus strand). Cytogenetic location: 3p25.3.
Variant type: single nucleotide variant.
Coding change: c.4151C>T on transcript NM_001080517.3 (MANE Select); coding-DNA position 4151, C replaced by T.
Protein change: p.Ser1384Leu; replaces serine 1384 with leucine.
Molecular consequence: missense variant.
Genome position (GRCh38, 1-based): chr3:9,475,913, C>T. VCF-style: chr3-9475913-C-T. GRCh37 (hg19) VCF-style: chr3-9517597-C-T.
Other names: c.3857C>T, p.Ser1286Leu (NM_001292043.2, NM_001349451.2); short protein forms S1286L, S1384L.
Identifiers: ClinVar variation 2633196 (VCV002633196.1), dbSNP rs1309389362, ClinGen allele CA351694538.
Genomic context (GRCh38, chr3:9,475,913, plus strand): 5'-CCAGCACAGGAACTCTGAGTTCCACCTCCTTTCCTCAGAACTCTAGGTCGTCATTGCCAT[C>T]AGACTTACGGACTATCAGTCTGCCCAGTGCTGGGCAGTCAGCTGTCTACCAGGCCTCCAG-3'
Protein context (NP_001073986.1, residues 1374-1394): FPQNSRSSLP[Ser1384Leu]DLRTISLPSA

ClinVar aggregate classification (germline): Uncertain significance (1 of 4 stars; one submission).

Conditions:
SETD5-related disorder. Also called: SETD5-related disorders; SETD5-related condition.

Allele frequency attached by ClinVar (database versions not stated): gnomAD exomes below 0.00001; gnomAD 0.00001; TOPMed 0.00001.
gnomAD v4.1: 6 of 1,613,948 alleles (0.00037%); highest among the groups gnomAD compares: Non-Finnish European, 0.00051%; no homozygotes.

Submission:

PreventionGenetics, part of Exact Sciences
Classification: Uncertain significance for SETD5-related condition. Last evaluated: 2023-05-22. Review status: criteria provided, single submitter. Criteria: ACMG Guidelines, 2015. Collection method: clinical testing. Allele origin: germline.
Comment: The SETD5 c.4151C>T variant is predicted to result in the amino acid substitution p.Ser1384Leu. To our knowledge, this variant has not been reported in the literature or in a large population database, indicating this variant is rare. At this time, the clinical significance of this variant is uncertain due to the absence of conclusive functional and genetic evidence.